The following is an entry in ClinVar:

NM_003000.3(SDHB):c.291C>T (p.Ile97=)

Gene: SDHB (succinate dehydrogenase complex iron sulfur subunit B; minus strand). Cytogenetic location: 1p36.13.
Variant type: single nucleotide variant.
Coding change: c.291C>T on transcript NM_003000.3 (MANE Select); coding-DNA position 291, C replaced by T.
Protein change: p.Ile97=; no amino-acid change (isoleucine 97 retained).
Molecular consequence: synonymous variant.
Genome position (GRCh38, 1-based): chr1:17,028,732, G>A on the plus strand (C>T on the coding strand, the complement: SDHB is on the minus strand). VCF-style: chr1-17028732-G-A. GRCh37 (hg19) VCF-style: chr1-17355227-G-A.
Other names: c.291C>T, p.Ile97= (NM_001407361.1).
Identifiers: ClinVar variation 1797679 (VCV001797679.4), dbSNP rs2078005500, ClinGen allele CA416088138.

ClinVar aggregate classification (germline): Benign/Likely benign. Review status: criteria provided, multiple submitters, no conflicts (2 of 4 stars). 3 submissions from 3 submitters: Benign (1); Likely benign (2). Last evaluated 2025-03-12.

Conditions:
Pheochromocytoma. Also called: MAX-Related Hereditary Paraganglioma-Pheochromocytoma Syndrome. Identifiers: Orphanet 29072, MedGen C0031511, MONDO:0008233, OMIM 171300, HP:0002666.
Gastrointestinal stromal tumor. Also called: Gastrointestinal stromal tumor, somatic; Gastrointestinal stroma tumor. Identifiers: Orphanet 44890, MedGen C0238198, MeSH D046152, MONDO:0011719, OMIM 606764, HP:0100723.
Pheochromocytoma/paraganglioma syndrome 4. Also called: SDHB-Related Hereditary Paraganglioma-Pheochromocytoma Syndrome (Paragangliomas 4); SDHB-Related Hereditary Paraganglioma-Pheochromocytoma Syndrome; CAROTID BODY TUMORS AND MULTIPLE EXTRAADRENAL PHEOCHROMOCYTOMAS; PARAGANGLIOMA, FAMILIAL MALIGNANT; PARAGANGLIOMAS, HEREDITARY EXTRAADRENAL; PHEOCHROMOCYTOMA, FAMILIAL EXTRAADRENAL. Identifiers: Orphanet 29072, MedGen C1861848, MONDO:0007273, OMIM 115310.
Hereditary cancer-predisposing syndrome. Also called: Neoplastic Syndromes, Hereditary; Hereditary neoplastic syndrome; Hereditary Cancer Syndrome; Tumor predisposition. Identifiers: Orphanet 140162, MedGen C0027672, MeSH D009386, MONDO:0015356.

Allele frequency attached by ClinVar (database versions not stated): gnomAD exomes below 0.00001.
gnomAD v4.1: 2 of 1,614,014 alleles (0.00012%); highest among the groups gnomAD compares: East Asian, 0.0045%; no homozygotes.

Submissions (3):

Myriad Genetics, Inc.
Classification: Benign for Pheochromocytoma/paraganglioma syndrome 4. Last evaluated: 2025-03-12. Review status: criteria provided, single submitter. Criteria: Myriad Autosomal Dominant, Autosomal Recessive and X-Linked Classification Criteria (2023). Collection method: clinical testing. Allele origin: unknown.
Comment: This variant is considered benign. This variant is a silent/synonymous amino acid change and it is not expected to impact splicing.

Labcorp Genetics (formerly Invitae), Labcorp
Classification: Likely benign for Gastrointestinal stromal tumor; Pheochromocytoma/paraganglioma syndrome 4; Pheochromocytoma. Last evaluated: 2025-02-12. Review status: criteria provided, single submitter. Criteria: Invitae Variant Classification Sherloc (09022015). Collection method: clinical testing. Allele origin: germline.

Ambry Genetics
Classification: Likely benign for Hereditary cancer-predisposing syndrome. Last evaluated: 2020-09-30. Review status: criteria provided, single submitter. Criteria: Ambry Variant Classification Scheme 2023. Collection method: clinical testing. Allele origin: germline.